The following is an entry in ClinVar:

ClinVar aggregate classification (germline): Uncertain significance (1 of 4 stars; one submission).

gnomAD v4.1: 1 of 1,613,896 alleles (0.000062%); highest among the groups gnomAD compares: Admixed American, 0.0017%; no homozygotes.

Submission:

Labcorp Genetics (formerly Invitae), Labcorp
Classification: Uncertain significance. Last evaluated: 2024-08-29. Review status: criteria provided, single submitter. Criteria: Invitae Variant Classification Sherloc (09022015). Collection method: clinical testing. Allele origin: germline.
Comment: This sequence change replaces glycine, which is neutral and non-polar, with arginine, which is basic and polar, at codon 240 of the MAP3K8 protein (p.Gly240Arg). This variant is not present in population databases (gnomAD no frequency). This variant has not been reported in the literature in individuals affected with MAP3K8-related conditions. An algorithm developed to predict the effect of missense changes on protein structure and function (PolyPhen-2) suggests that this variant is likely to be disruptive. In summary, the available evidence is currently insufficient to determine the role of this variant in disease. Therefore, it has been classified as a Variant of Uncertain Significance.

NM_005204.4(MAP3K8):c.718G>A (p.Gly240Arg)

Gene: MAP3K8 (mitogen-activated protein kinase kinase kinase 8; plus strand). Cytogenetic location: 10p11.23.
Variant type: single nucleotide variant.
Coding change: c.718G>A on transcript NM_005204.4 (MANE Select); coding-DNA position 718, G replaced by A.
Protein change: p.Gly240Arg; replaces glycine 240 with arginine.
Molecular consequence: missense variant.
Genome position (GRCh38, 1-based): chr10:30,450,471, G>A. VCF-style: chr10-30450471-G-A. GRCh37 (hg19) VCF-style: chr10-30739400-G-A.
Other names: c.718G>A, p.Gly240Arg (NM_001320961.2, NM_001244134.1); short protein forms G240R.
Identifiers: ClinVar variation 3679493 (VCV003679493.2).